The following is an entry in ClinVar:

NM_000089.4(COL1A2):c.2596C>G (p.Leu866Val)

Gene: COL1A2 (collagen type I alpha 2 chain; plus strand). Cytogenetic location: 7q21.3.
Variant type: single nucleotide variant.
Coding change: c.2596C>G on transcript NM_000089.4 (MANE Select); coding-DNA position 2596, C replaced by G.
Protein change: p.Leu866Val; replaces leucine 866 with valine.
Molecular consequence: missense variant.
Genome position (GRCh38, 1-based): chr7:94,424,366, C>G. VCF-style: chr7-94424366-C-G. GRCh37 (hg19) VCF-style: chr7-94053678-C-G.
Other names: short protein forms L866V.
Identifiers: ClinVar variation 639478 (VCV000639478.10), dbSNP rs538945650, ClinGen allele CA368224237.

ClinVar aggregate classification (germline): Uncertain significance (1 of 4 stars; one submission).

Conditions:
Osteogenesis imperfecta type I (OI1). Also called: OI, TYPE I; OSTEOGENESIS IMPERFECTA TARDA; OSTEOGENESIS IMPERFECTA WITH BLUE SCLERAE; Osteogenesis imperfecta type 1; Classic Non-deforming Osteogenesis Imperfecta with Blue Sclerae; Lobstein's Disease. Identifiers: Orphanet 216796, Orphanet 666, MedGen C0023931, MONDO:0008146, OMIM 166200. Disease mechanism: loss of function.
Ehlers-Danlos syndrome, classic type, 1 (EDSCL1). Also called: EDS I; EHLERS-DANLOS SYNDROME, GRAVIS TYPE; EHLERS-DANLOS SYNDROME, SEVERE CLASSIC TYPE; Ehlers-Danlos Syndrome, Classic Type, COL5A1-Related; Ehlers-Danlos syndrome, type 1. Identifiers: MedGen C0268335, MONDO:0019567, OMIM 130000.

gnomAD v4.1: 1 of 1,614,098 alleles (0.000062%); highest among the groups gnomAD compares: Non-Finnish European, 0.000085%; no homozygotes.

Submission:

Labcorp Genetics (formerly Invitae), Labcorp
Classification: Uncertain significance for Osteogenesis imperfecta type I; Ehlers-Danlos syndrome, classic type, 1. Last evaluated: 2022-01-14. Review status: criteria provided, single submitter. Criteria: Invitae Variant Classification Sherloc (09022015). Collection method: clinical testing. Allele origin: germline.
Comment: This sequence change replaces leucine, which is neutral and non-polar, with valine, which is neutral and non-polar, at codon 866 of the COL1A2 protein (p.Leu866Val). This variant is not present in population databases (gnomAD no frequency). In summary, the available evidence is currently insufficient to determine the role of this variant in disease. Therefore, it has been classified as a Variant of Uncertain Significance. This variant has not been reported in the literature in individuals affected with COL1A2-related conditions. ClinVar contains an entry for this variant (Variation ID: 639478). Advanced modeling of protein sequence and biophysical properties (such as structural, functional, and spatial information, amino acid conservation, physicochemical variation, residue mobility, and thermodynamic stability) performed at Invitae indicates that this missense variant is not expected to disrupt COL1A2 protein function.